The following is an entry in ClinVar:

NM_004994.3(MMP9):c.140A>G (p.Glu47Gly)

Gene: MMP9 (matrix metallopeptidase 9; plus strand). Cytogenetic location: 20q13.12.
Variant type: single nucleotide variant.
Coding change: c.140A>G on transcript NM_004994.3 (MANE Select); coding-DNA position 140, A replaced by G.
Protein change: p.Glu47Gly; replaces glutamic acid 47 with glycine.
Molecular consequence: missense variant.
Genome position (GRCh38, 1-based): chr20:46,009,867, A>G. VCF-style: chr20-46009867-A-G. GRCh37 (hg19) VCF-style: chr20-44638506-A-G.
Other names: short protein forms E47G.
Identifiers: ClinVar variation 1946758 (VCV001946758.5), dbSNP rs1236078412, ClinGen allele CA409210539.

ClinVar aggregate classification (germline): Uncertain significance (1 of 4 stars; one submission).

Allele frequency attached by ClinVar (database versions not stated): gnomAD 0.00001; gnomAD exomes 0.00001.
gnomAD v4.1: 8 of 1,551,120 alleles (0.00052%); highest among the groups gnomAD compares: Non-Finnish European, 0.000087%; no homozygotes.

Submission:

Labcorp Genetics (formerly Invitae), Labcorp
Classification: Uncertain significance. Last evaluated: 2022-10-05. Review status: criteria provided, single submitter. Criteria: Invitae Variant Classification Sherloc (09022015). Collection method: clinical testing. Allele origin: germline.
Comment: In summary, the available evidence is currently insufficient to determine the role of this variant in disease. Therefore, it has been classified as a Variant of Uncertain Significance. Algorithms developed to predict the effect of missense changes on protein structure and function (SIFT, PolyPhen-2, Align-GVGD) all suggest that this variant is likely to be tolerated. This variant has not been reported in the literature in individuals affected with MMP9-related conditions. This variant is present in population databases (no rsID available, gnomAD 0.02%). This sequence change replaces glutamic acid, which is acidic and polar, with glycine, which is neutral and non-polar, at codon 47 of the MMP9 protein (p.Glu47Gly).